The following is an entry in ClinVar:

ClinVar aggregate classification (germline): Uncertain significance. Review status: criteria provided, multiple submitters, no conflicts (2 of 4 stars). 4 submissions from 3 submitters: Uncertain significance (4). Last evaluated 2025-08-10.

Conditions:
Hereditary spastic paraplegia 63. Also called: Spastic paraplegia 63, autosomal recessive. Identifiers: Orphanet 401805, MedGen C3810295, MONDO:0014305, OMIM 615686.
Pontocerebellar hypoplasia type 9. Identifiers: Orphanet 369920, MedGen C4014354, MONDO:0014351, OMIM 615809.
Inborn genetic diseases. Identifiers: MedGen C0950123, MeSH D030342.

Allele frequency attached by ClinVar (database versions not stated): gnomAD 0.00003; gnomAD exomes 0.00003; TOPMed 0.00003; ExAC 0.00007; ESP Exome Variant Server 0.00008; 1000 Genomes Project 30x 0.00016; 1000 Genomes Project 0.00020.

Submissions (4):

Ambry Genetics
Classification: Uncertain significance for Inborn genetic diseases. Last evaluated: 2025-08-10. Review status: criteria provided, single submitter. Criteria: Ambry Variant Classification Scheme 2023. Collection method: clinical testing. Allele origin: germline.

Genome-Nilou Lab
Classification: Uncertain significance for Hereditary spastic paraplegia 63. Last evaluated: 2023-04-11. Review status: criteria provided, single submitter. Criteria: ACMG Guidelines, 2015. Collection method: clinical testing. Allele origin: germline. Affected: no.

Genome-Nilou Lab
Classification: Uncertain significance for Pontocerebellar hypoplasia type 9. Last evaluated: 2023-04-11. Review status: criteria provided, single submitter. Criteria: ACMG Guidelines, 2015. Collection method: clinical testing. Allele origin: germline. Affected: no.

Labcorp Genetics (formerly Invitae), Labcorp
Classification: Uncertain significance for Pontocerebellar hypoplasia type 9; Hereditary spastic paraplegia 63. Last evaluated: 2022-03-23. Review status: criteria provided, single submitter. Criteria: Invitae Variant Classification Sherloc (09022015). Collection method: clinical testing. Allele origin: germline.
Comment: This sequence change replaces isoleucine, which is neutral and non-polar, with threonine, which is neutral and polar, at codon 497 of the AMPD2 protein (p.Ile497Thr). This variant is present in population databases (rs149171366, gnomAD 0.007%). This variant has not been reported in the literature in individuals affected with AMPD2-related conditions. ClinVar contains an entry for this variant (Variation ID: 665782). Algorithms developed to predict the effect of missense changes on protein structure and function are either unavailable or do not agree on the potential impact of this missense change (SIFT: "Deleterious"; PolyPhen-2: "Probably Damaging"; Align-GVGD: "Class C0"). In summary, the available evidence is currently insufficient to determine the role of this variant in disease. Therefore, it has been classified as a Variant of Uncertain Significance.

NM_001368809.2(AMPD2):c.1328T>C (p.Ile443Thr)

Genes: AMPD2 (adenosine monophosphate deaminase 2; plus strand), LOC126805822 (BRD4-independent group 4 enhancer GRCh37_chr1:110170748-110171947; plus strand). Cytogenetic location: 1p13.3.
Variant type: single nucleotide variant.
Coding change: c.1328T>C on transcript NM_001368809.2 (MANE Select); coding-DNA position 1328, T replaced by C.
Protein change: p.Ile443Thr; replaces isoleucine 443 with threonine.
Molecular consequence: missense variant.
Genome position (GRCh38, 1-based): chr1:109,628,416, T>C. VCF-style: chr1-109628416-T-C. GRCh37 (hg19) VCF-style: chr1-110171038-T-C.
Other names: c.1490T>C (NM_001257360.1, NM_004037.6); c.1136T>C, p.Ile379Thr (NM_001257361.2); c.1265T>C, p.Ile422Thr (NM_001308170.1); c.1328T>C, p.Ile443Thr (NM_004037.9); c.1247T>C, p.Ile416Thr (NM_139156.4); short protein forms I379T, I443T, I416T, I422T.
Identifiers: ClinVar variation 665782 (VCV000665782.6), dbSNP rs149171366, ClinGen allele CA993077.